The following is an entry in ClinVar:

NM_005902.4(SMAD3):c.207-27010T>C

Gene: SMAD3 (SMAD family member 3; plus strand). Cytogenetic location: 15q22.33.
Variant type: single nucleotide variant.
Coding change: c.207-27010T>C on transcript NM_005902.4 (MANE Select); 27010 bases into the intron before coding-DNA position 207, T replaced by C.
Molecular consequence: intron variant.
Genome position (GRCh38, 1-based): chr15:67,137,885, T>C. VCF-style: chr15-67137885-T-C. GRCh37 (hg19) VCF-style: chr15-67430223-T-C.
Other names: c.-110+11901T>C (NM_001145102.2).
Identifiers: ClinVar variation 672362 (VCV000672362.2), dbSNP rs1866318, ClinGen allele CA272440418.

ClinVar aggregate classification (germline): Benign. Review status: criteria provided, multiple submitters, no conflicts (2 of 4 stars). 2 submissions from 2 submitters: Benign (2). Last evaluated 2018-06-14.

Allele frequency attached by ClinVar (database versions not stated): 1000 Genomes Project 30x 0.96299; 1000 Genomes Project 0.96565; TOPMed 0.96819; gnomAD 0.96991 and 0.97167; gnomAD exomes 0.99630.
gnomAD v4.1: 615,194 of 621,338 alleles (99%); highest among the groups gnomAD compares: East Asian, 100%; 304,791 homozygotes.

Submissions (2):

GeneDx
Classification: Benign. Last evaluated: 2018-06-14. Review status: criteria provided, single submitter. Criteria: GeneDx Variant Classification (06012015). Collection method: clinical testing. Allele origin: germline. Affected: yes.
Comment: This variant is considered likely benign or benign based on one or more of the following criteria: it is a conservative change, it occurs at a poorly conserved position in the protein, it is predicted to be benign by multiple in silico algorithms, and/or has population frequency not consistent with disease.

Breakthrough Genomics
Classification: Benign. Review status: criteria provided, single submitter. Criteria: ACMG Guidelines, 2015. Collection method: not provided. Allele origin: germline. Inheritance: Autosomal dominant inheritance. Affected: yes.